The following is an entry in ClinVar:

ClinVar aggregate classification (germline): Uncertain significance (1 of 4 stars; one submission).

Conditions:
Hereditary cancer-predisposing syndrome. Also called: Neoplastic Syndromes, Hereditary; Tumor predisposition; Hereditary neoplastic syndrome; Hereditary Cancer Syndrome. Identifiers: Orphanet 140162, MedGen C0027672, MeSH D009386, MONDO:0015356.

Submission:

Ambry Genetics
Classification: Uncertain significance for Hereditary cancer-predisposing syndrome. Last evaluated: 2019-03-25. Review status: criteria provided, single submitter. Criteria: Ambry Variant Classification Scheme 2023. Collection method: clinical testing. Allele origin: germline.
Comment: The p.C251G variant (also known as c.751T>G), located in coding exon 6 of the DICER1 gene, results from a T to G substitution at nucleotide position 751. The cysteine at codon 251 is replaced by glycine, an amino acid with highly dissimilar properties. This amino acid position is well conserved in available vertebrate species. In addition, the in silico prediction for this alteration is inconclusive. Since supporting evidence is limited at this time, the clinical significance of this alteration remains unclear.

NM_177438.3(DICER1):c.751T>G (p.Cys251Gly)

Gene: DICER1 (dicer 1, ribonuclease III; minus strand). Cytogenetic location: 14q32.13.
Variant type: single nucleotide variant.
Coding change: c.751T>G on transcript NM_177438.3 (MANE Select); coding-DNA position 751, T replaced by G.
Protein change: p.Cys251Gly; replaces cysteine 251 with glycine.
Molecular consequence: missense variant.
Genome position (GRCh38, 1-based): chr14:95,126,732, A>C on the plus strand (T>G on the coding strand, the complement: DICER1 is on the minus strand). VCF-style: chr14-95126732-A-C. GRCh37 (hg19) VCF-style: chr14-95593069-A-C.
Other names: c.751T>G, p.Cys251Gly (NM_001195573.1, NM_001271282.3, NM_001291628.2 and 1 more transcripts); short protein forms C251G.
Identifiers: ClinVar variation 827098 (VCV000827098.4), dbSNP rs1353008772, ClinGen allele CA390887914.